The following is an entry in ClinVar:

NM_000823.4(GHRHR):c.*221T>C

Gene: GHRHR (growth hormone releasing hormone receptor; plus strand). Cytogenetic location: 7p14.3.
Variant type: single nucleotide variant.
Coding change: c.*221T>C on transcript NM_000823.4 (MANE Select); 221 bases downstream of the stop codon, T replaced by C.
Molecular consequence: 3 prime UTR variant.
Genome position (GRCh38, 1-based): chr7:30,979,465, T>C. VCF-style: chr7-30979465-T-C. GRCh37 (hg19) VCF-style: chr7-31019080-T-C.
Identifiers: ClinVar variation 360041 (VCV000360041.7), dbSNP rs28371563, ClinGen allele CA10629096.

ClinVar aggregate classification (germline): Benign. Review status: criteria provided, multiple submitters, no conflicts (2 of 4 stars). 2 submissions from 2 submitters: Benign (2). Last evaluated 2021-06-19.

Conditions:
Isolated growth hormone deficiency type IB (IGHD1B). Also called: IGHD IB; IGHD 1B. Identifiers: Orphanet 231671, Orphanet 631, MedGen C2748571, MONDO:0013006, OMIM 612781.

Allele frequency attached by ClinVar (database versions not stated): gnomAD exomes 0.03459; gnomAD 0.05915 and 0.05985; TOPMed 0.06254; 1000 Genomes Project 0.07228; 1000 Genomes Project 30x 0.07402.
gnomAD v4.1: 21,981 of 529,114 alleles (4.2%); highest among the groups gnomAD compares: African/African-American, 15%; 964 homozygotes.

Submissions (2):

GeneDx
Classification: Benign. Last evaluated: 2021-06-19. Review status: criteria provided, single submitter. Criteria: GeneDx Variant Classification Process June 2021. Collection method: clinical testing. Allele origin: germline. Affected: yes.

Illumina Laboratory Services, Illumina
Classification: Benign for Isolated growth hormone deficiency type IB. Last evaluated: 2018-01-13. Review status: criteria provided, single submitter. Criteria: ICSL Variant Classification Criteria 13 December 2019. Collection method: clinical testing. Allele origin: germline.
Comment: This variant was observed in the ICSL laboratory as part of a predisposition screen in an ostensibly healthy population. It had not been previously curated by ICSL or reported in the Human Gene Mutation Database (HGMD: prior to June 1st, 2018), and was therefore a candidate for classification through an automated scoring system. Utilizing variant allele frequency, disease prevalence and penetrance estimates, and inheritance mode, an automated score was calculated to assess if this variant is too frequent to cause the disease. Based on the score and internal cut-off values, a variant classified as benign is not then subjected to further curation. The score for this variant resulted in a classification of benign for this disease.